The following is an entry in ClinVar:

NM_001267550.2(TTN):c.47379C>A (p.Tyr15793Ter)

Genes: TTN (titin; minus strand), TTN-AS1 (TTN antisense RNA 1; plus strand). Cytogenetic location: 2q31.2.
Variant type: single nucleotide variant.
Coding change: c.47379C>A on transcript NM_001267550.2 (MANE Select); coding-DNA position 47379, C replaced by A.
Protein change: p.Tyr15793Ter; replaces tyrosine 15793 with a stop codon.
Molecular consequence: nonsense.
Genome position (GRCh38, 1-based): chr2:178,617,972, G>T on the plus strand (C>A on the coding strand, the complement: TTN is on the minus strand). VCF-style: chr2-178617972-G-T. GRCh37 (hg19) VCF-style: chr2-179482699-G-T.
Other names: c.39675C>A, p.Tyr13225Ter (NM_133378.4); c.20559C>A, p.Tyr6853Ter (NM_133432.3); c.20760C>A, p.Tyr6920Ter (NM_133437.4); c.42456C>A, p.Tyr14152Ter (NM_001256850.1); c.20184C>A, p.Tyr6728Ter (NM_003319.4); short protein forms Y6920*, Y6728*, Y6853*, Y14152*, Y15793*, Y13225*.
Identifiers: ClinVar variation 2953318 (VCV002953318.3), dbSNP rs374281025, ClinGen allele CA349617518.

ClinVar aggregate classification (germline): Likely pathogenic (1 of 4 stars; one submission).

Conditions:
Autosomal recessive limb-girdle muscular dystrophy type 2J (LGMDR10). Also called: Limb-girdle muscular dystrophy, type 2J; MUSCULAR DYSTROPHY, LIMB-GIRDLE, AUTOSOMAL RECESSIVE 10. Identifiers: Orphanet 140922, MedGen C1837342, MONDO:0012127, OMIM 608807.
Dilated cardiomyopathy 1G (CMD1G). Identifiers: Orphanet 154, MedGen C1858763, MONDO:0011400, OMIM 604145.

Submission:

Labcorp Genetics (formerly Invitae), Labcorp
Classification: Likely pathogenic for Dilated cardiomyopathy 1G; Autosomal recessive limb-girdle muscular dystrophy type 2J. Last evaluated: 2023-10-27. Review status: criteria provided, single submitter. Criteria: Invitae Variant Classification Sherloc (09022015). Collection method: clinical testing. Allele origin: germline.
Comment: This sequence change creates a premature translational stop signal (p.Tyr15793*) in the TTN gene. While this is not anticipated to result in nonsense mediated decay, it is expected to create a truncated TTN protein. This variant is not present in population databases (gnomAD no frequency). This variant has not been reported in the literature in individuals affected with TTN-related conditions. This variant is located in the A band of TTN (PMID: 25589632). Truncating variants in this region are significantly overrepresented in patients affected with dilated cardiomyopathy (PMID: 25589632). Truncating variants in this region have also been reported in individuals affected with autosomal recessive centronuclear myopathy (PMID: 23975875). In summary, the currently available evidence indicates that the variant is pathogenic, but additional data are needed to prove that conclusively. Therefore, this variant has been classified as Likely Pathogenic.

Literature cited by the submitters: PubMed 25589632; PubMed 23975875.